The following is an entry in ClinVar:

ClinVar aggregate classification (germline): Uncertain significance. Review status: criteria provided, single submitter (1 of 4 stars). 2 submissions from 2 submitters: Uncertain significance (1). 1 of the submissions does not count toward it. Last evaluated 2025-10-02.

Conditions:
FBLN1-related disorder. Also called: FBLN1-related condition.

Allele frequency attached by ClinVar (database versions not stated): 1000 Genomes Project 30x 0.00016; 1000 Genomes Project 0.00020; ESP Exome Variant Server 0.00023.
gnomAD v4.1: 448 of 1,613,812 alleles (0.028%); highest among the groups gnomAD compares: South Asian, 0.11%; 1 homozygote.

Submissions (2):

Labcorp Genetics (formerly Invitae), Labcorp
Classification: Uncertain significance. Last evaluated: 2025-10-02. Review status: criteria provided, single submitter. Criteria: Invitae Variant Classification Sherloc (09022015). Collection method: clinical testing. Allele origin: germline.
Comment: This sequence change replaces valine, which is neutral and non-polar, with leucine, which is neutral and non-polar, at codon 428 of the FBLN1 protein (p.Val428Leu). This variant is present in population databases (rs200614579, gnomAD 0.1%), and has an allele count higher than expected for a pathogenic variant. This variant has not been reported in the literature in individuals affected with FBLN1-related conditions. ClinVar contains an entry for this variant (Variation ID: 2045063). An algorithm developed to predict the effect of missense changes on protein structure and function outputs the following: PolyPhen-2: "Possibly Damaging". The leucine amino acid residue is found in multiple mammalian species, which suggests that this missense change does not adversely affect protein function. In summary, the available evidence is currently insufficient to determine the role of this variant in disease. Therefore, it has been classified as a Variant of Uncertain Significance.

PreventionGenetics, part of Exact Sciences
Classification: Likely benign for FBLN1-related condition. Last evaluated: 2021-10-18. Review status: no assertion criteria provided. Collection method: clinical testing. Allele origin: germline. Not counted in ClinVar's aggregate classification.
Comment: This variant is classified as likely benign based on ACMG/AMP sequence variant interpretation guidelines (Richards et al. 2015 PMID: 25741868, with internal and published modifications).

NM_006486.3(FBLN1):c.1282G>T (p.Val428Leu)

Gene: FBLN1 (fibulin 1; plus strand). Cytogenetic location: 22q13.31.
Variant type: single nucleotide variant.
Coding change: c.1282G>T on transcript NM_006486.3 (MANE Select); coding-DNA position 1282, G replaced by T.
Protein change: p.Val428Leu; replaces valine 428 with leucine.
Molecular consequence: missense variant.
Genome position (GRCh38, 1-based): chr22:45,543,487, G>T. VCF-style: chr22-45543487-G-T. GRCh37 (hg19) VCF-style: chr22-45939367-G-T.
Other names: c.1282G>T, p.Val428Leu (NM_001996.4, NM_006485.4, NM_006487.3); c.1282G>T (NM_006486.2); short protein forms V428L.
Identifiers: ClinVar variation 2045063 (VCV002045063.5), dbSNP rs200614579, ClinGen allele CA10286887.
Genomic context (GRCh38, chr22:45,543,487, plus strand): 5'-GGGCGCCTGTGTGGCCACAAGTGCGAGAACACGCTGGGCTCCTACCTCTGCAGCTGTTCC[G>T]TGGGCTTCCGGCTCTCTGTGGATGGCAGGTCATGTGAAGGTGAGGCTGGGGCCCCGTCCA-3'
Protein context (NP_006477.3, residues 418-438): TLGSYLCSCS[Val428Leu]GFRLSVDGRS